The following is an entry in ClinVar:

NM_001035.3(RYR2):c.8895+6G>A

Gene: RYR2 (ryanodine receptor 2; plus strand). Cytogenetic location: 1q43.
Variant type: single nucleotide variant.
Coding change: c.8895+6G>A on transcript NM_001035.3 (MANE Select); 6 bases into the intron after coding-DNA position 8895, G replaced by A.
Molecular consequence: intron variant.
Genome position (GRCh38, 1-based): chr1:237,678,118, G>A. VCF-style: chr1-237678118-G-A. GRCh37 (hg19) VCF-style: chr1-237841418-G-A.
Identifiers: ClinVar variation 3720605 (VCV003720605.2).

ClinVar aggregate classification (germline): Uncertain significance (1 of 4 stars; one submission).

Conditions:
Catecholaminergic polymorphic ventricular tachycardia 1. Also called: VENTRICULAR TACHYCARDIA, STRESS-INDUCED POLYMORPHIC 1; VENTRICULAR TACHYCARDIA, CATECHOLAMINERGIC POLYMORPHIC, 1, WITH OR WITHOUT ATRIAL DYSFUNCTION AND/OR DILATED CARDIOMYOPATHY; RYR2-Related Catecholaminergic Polymorphic Ventricular Tachycardia. Identifiers: Orphanet 3286, MedGen C1631597, MONDO:0011484, OMIM 604772.

gnomAD v4.1: 2 of 1,533,460 alleles (0.00013%); highest among the groups gnomAD compares: African/African-American, 0.0014%; no homozygotes.

Submission:

Labcorp Genetics (formerly Invitae), Labcorp
Classification: Uncertain significance for Catecholaminergic polymorphic ventricular tachycardia 1. Last evaluated: 2024-05-14. Review status: criteria provided, single submitter. Criteria: Invitae Variant Classification Sherloc (09022015). Collection method: clinical testing. Allele origin: germline.
Comment: This sequence change falls in intron 61 of the RYR2 gene. It does not directly change the encoded amino acid sequence of the RYR2 protein. It affects a nucleotide within the consensus splice site. This variant is not present in population databases (gnomAD no frequency). This variant has not been reported in the literature in individuals affected with RYR2-related conditions. Variants that disrupt the consensus splice site are a relatively common cause of aberrant splicing (PMID: 17576681, 9536098). Algorithms developed to predict the effect of sequence changes on RNA splicing suggest that this variant may disrupt the consensus splice site. In summary, the available evidence is currently insufficient to determine the role of this variant in disease. Therefore, it has been classified as a Variant of Uncertain Significance.

Literature cited by the submitters: PubMed 17576681; PubMed 9536098.